The following is an entry in ClinVar:

ClinVar aggregate classification (germline): Uncertain significance (1 of 4 stars; one submission).

Conditions:
Rubinstein-Taybi syndrome (RSTS). Identifiers: Orphanet 783, MedGen C0035934, MONDO:0019188.

gnomAD v4.1: 8 of 1,614,106 alleles (0.0005%); highest among the groups gnomAD compares: Non-Finnish European, 0.00068%; no homozygotes.

Submission:

Labcorp Genetics (formerly Invitae), Labcorp
Classification: Uncertain significance for Rubinstein-Taybi syndrome. Last evaluated: 2025-09-10. Review status: criteria provided, single submitter. Criteria: Invitae Variant Classification Sherloc (09022015). Collection method: clinical testing. Allele origin: germline.
Comment: This sequence change replaces asparagine, which is neutral and polar, with tyrosine, which is neutral and polar, at codon 390 of the CREBBP protein (p.Asn390Tyr). This variant is not present in population databases (gnomAD no frequency). This variant has not been reported in the literature in individuals affected with CREBBP-related conditions. ClinVar contains an entry for this variant (Variation ID: 3690905). Invitae Evidence Modeling of protein sequence and biophysical properties (such as structural, functional, and spatial information, amino acid conservation, physicochemical variation, residue mobility, and thermodynamic stability) indicates that this missense variant is expected to disrupt CREBBP protein function with a positive predictive value of 80%. In summary, the available evidence is currently insufficient to determine the role of this variant in disease. Therefore, it has been classified as a Variant of Uncertain Significance.

NM_004380.3(CREBBP):c.1168A>T (p.Asn390Tyr)

Gene: CREBBP (CREB binding lysine acetyltransferase; minus strand). Cytogenetic location: 16p13.3.
Variant type: single nucleotide variant.
Coding change: c.1168A>T on transcript NM_004380.3 (MANE Select); coding-DNA position 1168, A replaced by T.
Protein change: p.Asn390Tyr; replaces asparagine 390 with tyrosine.
Molecular consequence: missense variant.
Genome position (GRCh38, 1-based): chr16:3,793,434, T>A on the plus strand (A>T on the coding strand, the complement: CREBBP is on the minus strand). VCF-style: chr16-3793434-T-A. GRCh37 (hg19) VCF-style: chr16-3843435-T-A.
Other names: c.1168A>T, p.Asn390Tyr (NM_001079846.1); short protein forms N390Y.
Identifiers: ClinVar variation 3690905 (VCV003690905.2).
Genomic context (GRCh38, chr16:3,793,434, plus strand): 5'-AACAGCACTTACCTTGGCAGGCTTTCCCAGCCTGACAATGCGTCATGTGATTCAAAACGT[T>A]TTTCATGGTTCGACAATGCGGGAGCGAGCAGGCCCGAACCTCTCCGTTTGCTTGCTCTCG-3'
Protein context (NP_004371.2, residues 380-400): CSLPHCRTMK[Asn390Tyr]VLNHMTHCQA